The following is an entry in ClinVar:

NM_000138.5(FBN1):c.3797A>T (p.Tyr1266Phe)

Gene: FBN1 (fibrillin 1; minus strand). Cytogenetic location: 15q21.1.
Variant type: single nucleotide variant.
Coding change: c.3797A>T on transcript NM_000138.5 (MANE Select); coding-DNA position 3797, A replaced by T.
Protein change: p.Tyr1266Phe; replaces tyrosine 1266 with phenylalanine.
Molecular consequence: missense variant.
Genome position (GRCh38, 1-based): chr15:48,483,859, T>A on the plus strand (A>T on the coding strand, the complement: FBN1 is on the minus strand). VCF-style: chr15-48483859-T-A. GRCh37 (hg19) VCF-style: chr15-48776056-T-A.
Other names: short protein forms Y1266F.
Identifiers: ClinVar variation 161235 (VCV000161235.44), dbSNP rs200283837, ClinGen allele CA014562.

ClinVar aggregate classification (germline): Conflicting classifications of pathogenicity. Review status: criteria provided, conflicting classifications (1 of 4 stars). 10 submissions from 10 submitters: Uncertain significance (6); Benign (1); Likely benign (1). 2 of the submissions do not count toward it. Last evaluated 2026-08-26.

Conditions:
Acute aortic dissection. Identifiers: MedGen C0241868.
Congenital aneurysm of ascending aorta (AAT1). Also called: AORTIC ANEURYSM, FAMILIAL THORACIC 1; Aortic aneurysm, thoracic; ANNULOAORTIC ECTASIA; Familial thoracic aortic aneurysm. Identifiers: Orphanet 229, MedGen C0345050, MONDO:0024559, OMIM 607086.
Marfan syndrome (MFS). Also called: Marfan syndrome, classic; FBN1-Related Marfan Syndrome; Marfan syndrome type 1; Marfan's syndrome; MARFAN SYNDROME, TYPE I. Identifiers: Orphanet 284963, Orphanet 558, MedGen C0024796, MONDO:0007947, OMIM 154700.
Familial thoracic aortic aneurysm and aortic dissection (TAAD). Also called: Thoracic aortic aneurysms and dissections. Identifiers: Orphanet 91387, MedGen C4707243, MONDO:0019625.

Allele frequency attached by ClinVar (database versions not stated): gnomAD 0.00001; TOPMed 0.00001; gnomAD exomes 0.00006; ExAC 0.00010; ESP Exome Variant Server 0.00031.
gnomAD v4.1: 65 of 1,613,706 alleles (0.004%); highest among the groups gnomAD compares: Middle Eastern, 0.049%; no homozygotes.

Submissions (10):

GeneDx
Classification: Uncertain significance. Last evaluated: 2026-08-26. Review status: criteria provided, single submitter. Criteria: GeneDx Variant Classification Process June 2021. Collection method: clinical testing. Allele origin: germline.
Comment: Observed in trans with another FBN1 variant in an individual with aortic root dilatation and aortic dissection (PMID: 26621581); In silico analysis suggests that this missense variant does not alter protein structure/function; Does not affect a cysteine or calcium-binding residue within an EGF-like domain or a TGF-binding protein domain of the FBN1 gene; cysteine substitutions in the EGF-like domains represent the majority of pathogenic missense changes associated with FBN1-related disorders (PMID: 12938084); This variant is associated with the following publications: (PMID: 24941995, 25812041, 25637381, 11933199, 27647783, 12938084, 29543232, 26621581)

Women's Health and Genetics/Laboratory Corporation of America, LabCorp
Classification: Uncertain significance. Last evaluated: 2026-01-09. Review status: criteria provided, single submitter. Criteria: LabCorp Variant Classification Summary - May 2015. Collection method: clinical testing. Allele origin: germline.
Comment: Variant summary: FBN1 c.3797A>T (p.Tyr1266Phe) results in a conservative amino acid change in the encoded protein sequence. Algorithms developed to predict the effect of missense changes on protein structure and function are either unavailable or do not agree on the potential impact of this missense change. The variant allele was found at a frequency of 5.6e-05 in 251128 control chromosomes, predominantly at a frequency of 0.00011 within the Non-Finnish European subpopulation in the gnomAD database. Frequency in Non-Finnish European subpopulation is similar to that estimated for a pathogenic variant in FBN1 causing Aortopathy (0.00011), suggesting a benign polymorphism. c.3797A>T has been observed in individual(s) affected with Aneurysm without strong evidence for causality (Weerakkody_2018). These report(s) do not provide unequivocal conclusions about association of the variant with Aortopathy. To our knowledge, no experimental evidence demonstrating an impact on protein function has been reported. The following publications have been ascertained in the context of this evaluation (PMID: 25637381, 11933199, 29543232, 24941995). ClinVar contains an entry for this variant (Variation ID: 161235). Based on the evidence outlined above, the variant was classified as uncertain significance.

Labcorp Genetics (formerly Invitae), Labcorp
Classification: Benign for Marfan syndrome; Familial thoracic aortic aneurysm and aortic dissection. Last evaluated: 2025-10-27. Review status: criteria provided, single submitter. Criteria: Invitae Variant Classification Sherloc (09022015). Collection method: clinical testing. Allele origin: germline.

All of Us Research Program, National Institutes of Health
Classification: Uncertain significance for Marfan syndrome. Last evaluated: 2024-05-14. Review status: criteria provided, single submitter. Criteria: ACMG Guidelines, 2015. Collection method: clinical testing. Allele origin: germline. Inheritance: Autosomal dominant inheritance. Observed: 18 variant alleles, 18 heterozygotes.
Comment: This missense variant replaces tyrosine with phenylalanine at codon 1266 of the FBN1 protein. Computational prediction suggests that this variant may not impact protein structure and function (internally defined REVEL score threshold <= 0.5, PMID: 27666373). To our knowledge, functional studies have not been reported for this variant. This variant has been reported in a family affected with familial thoracic aortic aneurysms and acute aortic dissections (PMID: 26621581). This variant has been identified in 14/251128 chromosomes in the general population by the Genome Aggregation Database (gnomAD). The available evidence is insufficient to determine the role of this variant in disease conclusively. Therefore, this variant is classified as a Variant of Uncertain Significance.

This study involves interpretation of variants in research participants for the purpose of population health screening. Participant phenotype was not available at the time of variant classification. Additional details can be found in publication PMID: 35346344, PMCID: PMC8962531

Blueprint Genetics
Classification: Likely benign. Last evaluated: 2024-04-22. Review status: criteria provided, single submitter. Criteria: ACMG Guidelines, 2015. Collection method: clinical testing. Allele origin: germline.

Color Diagnostics, LLC DBA Color Health
Classification: Uncertain significance for Familial thoracic aortic aneurysm and aortic dissection. Last evaluated: 2024-02-09. Review status: criteria provided, single submitter. Criteria: ACMG Guidelines, 2015. Collection method: clinical testing. Allele origin: germline.
Comment: This missense variant replaces tyrosine with phenylalanine at codon 1266 of the FBN1 protein. Computational prediction tools indicate that this variant has a neutral impact on protein structure and function. To our knowledge, functional studies have not been reported for this variant. This variant has been reported in one family affected with familial thoracic aortic aneurysms and acute aortic dissections (PMID: 26621581). This variant has been identified in 14/251128 chromosomes in the general population by the Genome Aggregation Database (gnomAD). The available evidence is insufficient to determine the role of this variant in disease conclusively. Therefore, this variant is classified as a Variant of Uncertain Significance.

Ambry Genetics
Classification: Uncertain significance for Familial thoracic aortic aneurysm and aortic dissection. Last evaluated: 2021-11-22. Review status: criteria provided, single submitter. Criteria: Ambry Variant Classification Scheme 2023. Collection method: clinical testing. Allele origin: germline.
Comment: The p.Y1266F variant (also known as c.3797A>T), located in coding exon 30 of the FBN1 gene, results from an A to T substitution at nucleotide position 3797. The tyrosine at codon 1266 is replaced by phenylalanine, an amino acid with highly similar properties, and is located in the cb EGF-like #16 domain. This alteration was first reported in a study screening for FBN1 alterations, but no clinical detail was provided (M&aacute;ty&aacute;s G et al. Hum. Mutat. 2002;19:443-56). This alteration was described in an individual with aortic dilatation and dissection, who also had a second FBN1 alteration (Regalado ES et al. Clin. Genet. 2016;89:719-23). This alteration has also been seen in another subject with ascending aortic aneurysm (Weerakkody R et al. Genet Med, 2018 11;20:1414-1422). This amino acid position is not well conserved in available vertebrate species, and phenylalanine is the reference amino acid in other vertebrate species. In addition, the in silico prediction for this alteration is inconclusive. Since supporting evidence is limited at this time, the clinical significance of this alteration remains unclear.

ARUP Laboratories, Molecular Genetics and Genomics, ARUP Laboratories
Classification: Uncertain significance. Last evaluated: 2017-08-09. Review status: criteria provided, single submitter. Criteria: ARUP Molecular Germline Variant Investigation Process. Collection method: clinical testing. Allele origin: germline.

University of Washington Center for Mendelian Genomics, University of Washington
Classification: Uncertain significance for Familial thoracic aortic aneurysms; Acute aortic dissections. Last evaluated: 2016-01-20. Review status: no assertion criteria provided. Collection method: research. Allele origin: unknown. Affected: yes. Not counted in ClinVar's aggregate classification.

CSER _CC_NCGL, University of Washington
Classification: Likely benign for Marfan syndrome. Last evaluated: 2014-06-01. Review status: no assertion criteria provided. Collection method: research. Allele origin: germline. Inheritance: Autosomal dominant inheritance. Study: ESP 6500 variant annotation. Not counted in ClinVar's aggregate classification.
Comment: Variants classified for the Actionable exomic incidental findings in 6503 participants: challenges of variant classification manuscript

Literature cited by the submitters: PubMed 11933199 (cited by Women's Health and Genetics/Laboratory Corporation of America, LabCorp and Ambry Genetics); PubMed 24941995 (cited by Women's Health and Genetics/Laboratory Corporation of America, LabCorp); PubMed 25637381 (cited by Women's Health and Genetics/Laboratory Corporation of America, LabCorp); PubMed 29543232 (cited by Women's Health and Genetics/Laboratory Corporation of America, LabCorp and Ambry Genetics); PubMed 26621581 (cited by 4 submitters); PubMed 31227806 (cited by Ambry Genetics).